The following is an entry in ClinVar:

NM_014324.6(AMACR):c.193G>A (p.Val65Met)

Genes: AMACR (alpha-methylacyl-CoA racemase; minus strand), C1QTNF3-AMACR (C1QTNF3-AMACR readthrough (NMD candidate); minus strand). Cytogenetic location: 5p13.2.
Variant type: single nucleotide variant.
Coding change: c.193G>A on transcript NM_014324.6 (MANE Select); coding-DNA position 193, G replaced by A.
Protein change: p.Val65Met; replaces valine 65 with methionine.
Molecular consequence: missense variant.
Genome position (GRCh38, 1-based): chr5:34,007,827, C>T on the plus strand (G>A on the coding strand, the complement: AMACR is on the minus strand). VCF-style: chr5-34007827-C-T. GRCh37 (hg19) VCF-style: chr5-34007932-C-T.
Other names: c.193G>A, p.Val65Met (NM_001167595.2, NM_203382.3); short protein forms V65M.
Identifiers: ClinVar variation 1524501 (VCV001524501.6), dbSNP rs1306513083, ClinGen allele CA359385042.

ClinVar aggregate classification (germline): Uncertain significance (1 of 4 stars; one submission).

Conditions:
Alpha-methylacyl-CoA racemase deficiency (AMACRD). Also called: AMACR deficiency. Identifiers: Orphanet 79095, MedGen C3280428, MONDO:0013681, OMIM 614307. Disease mechanism: loss of function.

Submission:

Labcorp Genetics (formerly Invitae), Labcorp
Classification: Uncertain significance for Alpha-methylacyl-CoA racemase deficiency. Last evaluated: 2021-10-11. Review status: criteria provided, single submitter. Criteria: Invitae Variant Classification Sherloc (09022015). Collection method: clinical testing. Allele origin: germline.
Comment: The frequency data for this variant in the population databases is considered unreliable, as metrics indicate insufficient coverage at this position in the ExAC database. This sequence change replaces valine with methionine at codon 65 of the AMACR protein (p.Val65Met). The valine residue is moderately conserved and there is a small physicochemical difference between valine and methionine. In summary, the available evidence is currently insufficient to determine the role of this variant in disease. Therefore, it has been classified as a Variant of Uncertain Significance. Algorithms developed to predict the effect of missense changes on protein structure and function are either unavailable or do not agree on the potential impact of this missense change (SIFT: "Tolerated"; PolyPhen-2: "Possibly Damaging"; Align-GVGD: "Class C0"). This variant has not been reported in the literature in individuals affected with AMACR-related conditions.